The following is an entry in ClinVar:

ClinVar aggregate classification (germline): Likely benign. Review status: criteria provided, multiple submitters, no conflicts (2 of 4 stars). 2 submissions from 2 submitters: Likely benign (2). Last evaluated 2024-11-18.

Conditions:
Intellectual disability, CASK-related, X-linked. Identifiers: MedGen CN043158.

Submissions (2):

Labcorp Genetics (formerly Invitae), Labcorp
Classification: Likely benign for Intellectual disability, CASK-related, X-linked. Last evaluated: 2024-11-18. Review status: criteria provided, single submitter. Criteria: Invitae Variant Classification Sherloc (09022015). Collection method: clinical testing. Allele origin: germline.

GeneDx
Classification: Likely benign. Last evaluated: 2018-05-18. Review status: criteria provided, single submitter. Criteria: GeneDx Variant Classification (06012015). Collection method: clinical testing. Allele origin: germline. Affected: yes.
Comment: This variant is considered likely benign or benign based on one or more of the following criteria: it is a conservative change, it occurs at a poorly conserved position in the protein, it is predicted to be benign by multiple in silico algorithms, and/or has population frequency not consistent with disease.

NM_001367721.1(CASK):c.2604+7A>C

Gene: CASK (calcium/calmodulin dependent serine protein kinase; minus strand). Cytogenetic location: Xp11.4.
Variant type: single nucleotide variant.
Coding change: c.2604+7A>C on transcript NM_001367721.1 (MANE Select); 7 bases into the intron after coding-DNA position 2604, A replaced by C.
Molecular consequence: intron variant.
Genome position (GRCh38, 1-based): chrX:41,523,944, T>G on the plus strand (A>C on the coding strand, the complement: CASK is on the minus strand). VCF-style: chrX-41523944-T-G. GRCh37 (hg19) VCF-style: chrX-41383197-T-G.
Other names: c.2517+7A>C (NM_001126055.3); c.2586+7A>C (NM_001410745.1); c.2520+7A>C (NM_001126054.3); c.2589+7A>C (NM_003688.4).
Identifiers: ClinVar variation 668459 (VCV000668459.3), dbSNP rs1602207587, ClinGen allele CA915951005.